The following is an entry in ClinVar:

NM_018671.5(UNC45A):c.424A>C (p.Lys142Gln)

Gene: UNC45A (unc-45 myosin chaperone A; plus strand). Cytogenetic location: 15q26.1.
Variant type: single nucleotide variant.
Coding change: c.424A>C on transcript NM_018671.5 (MANE Select); coding-DNA position 424, A replaced by C.
Protein change: p.Lys142Gln; replaces lysine 142 with glutamine.
Molecular consequence: missense variant. On other transcripts: 5 prime UTR variant (1).
Genome position (GRCh38, 1-based): chr15:90,936,458, A>C. VCF-style: chr15-90936458-A-C. GRCh37 (hg19) VCF-style: chr15-91479688-A-C.
Other names: c.379A>C, p.Lys127Gln (NM_001039675.2, NM_001323621.2); c.424A>C, p.Lys142Gln (NM_001323619.1); c.-12A>C (NM_001323620.2); short protein forms K142Q, K127Q.
Identifiers: ClinVar variation 1365007 (VCV001365007.6), dbSNP rs568138440, ClinGen allele CA393891195.

ClinVar aggregate classification (germline): Uncertain significance (1 of 4 stars; one submission).

Allele frequency attached by ClinVar (database versions not stated): gnomAD exomes below 0.00001.
gnomAD v4.1: 6 of 1,613,904 alleles (0.00037%); highest among the groups gnomAD compares: Non-Finnish European, 0.00042%; no homozygotes.

Submission:

Labcorp Genetics (formerly Invitae), Labcorp
Classification: Uncertain significance. Last evaluated: 2021-11-17. Review status: criteria provided, single submitter. Criteria: Invitae Variant Classification Sherloc (09022015). Collection method: clinical testing. Allele origin: germline.
Comment: This variant has not been reported in the literature in individuals affected with UNC45A-related conditions. This variant is not present in population databases (gnomAD no frequency). This sequence change replaces lysine, which is basic and polar, with glutamine, which is neutral and polar, at codon 142 of the UNC45A protein (p.Lys142Gln). In summary, the available evidence is currently insufficient to determine the role of this variant in disease. Therefore, it has been classified as a Variant of Uncertain Significance. Algorithms developed to predict the effect of missense changes on protein structure and function are either unavailable or do not agree on the potential impact of this missense change (SIFT: "Not Available"; PolyPhen-2: "Benign"; Align-GVGD: "Not Available").